The following is an entry in ClinVar:

ClinVar aggregate classification (germline): Uncertain significance (1 of 4 stars; one submission).

Conditions:
Primary immunodeficiency with post-measles-mumps-rubella vaccine viral infection. Also called: Immunodeficiency 44. Identifiers: Orphanet 431166, MedGen C4225260, MONDO:0014715, OMIM 616636.

Allele frequency attached by ClinVar (database versions not stated): gnomAD exomes 0.00001; ExAC 0.00002.
gnomAD v4.1: 5 of 1,614,144 alleles (0.00031%); highest among the groups gnomAD compares: South Asian, 0.0033%; no homozygotes.

Submission:

Labcorp Genetics (formerly Invitae), Labcorp
Classification: Uncertain significance for Primary immunodeficiency with post-measles-mumps-rubella vaccine viral infection. Last evaluated: 2020-03-17. Review status: criteria provided, single submitter. Criteria: Invitae Variant Classification Sherloc (09022015). Collection method: clinical testing. Allele origin: germline.
Comment: In summary, the available evidence is currently insufficient to determine the role of this variant in disease. Therefore, it has been classified as a Variant of Uncertain Significance. Algorithms developed to predict the effect of missense changes on protein structure and function (SIFT, PolyPhen-2, Align-GVGD) all suggest that this variant is likely to be tolerated, but these predictions have not been confirmed by published functional studies and their clinical significance is uncertain. This variant has not been reported in the literature in individuals with STAT2-related conditions. This variant is present in population databases (rs779990362, ExAC 0.01%). This sequence change replaces leucine with methionine at codon 747 of the STAT2 protein (p.Leu747Met). The leucine residue is moderately conserved and there is a small physicochemical difference between leucine and methionine.

NM_005419.4(STAT2):c.2239C>A (p.Leu747Met)

Gene: STAT2 (signal transducer and activator of transcription 2; minus strand). Cytogenetic location: 12q13.3.
Variant type: single nucleotide variant.
Coding change: c.2239C>A on transcript NM_005419.4 (MANE Select); coding-DNA position 2239, C replaced by A.
Protein change: p.Leu747Met; replaces leucine 747 with methionine.
Molecular consequence: missense variant.
Genome position (GRCh38, 1-based): chr12:56,343,999, G>T on the plus strand (C>A on the coding strand, the complement: STAT2 is on the minus strand). VCF-style: chr12-56343999-G-T. GRCh37 (hg19) VCF-style: chr12-56737783-G-T.
Other names: c.2206C>A, p.Leu736Met (NM_001385110.1); c.2140C>A, p.Leu714Met (NM_001385111.1); c.2239C>A, p.Leu747Met (NM_001385113.1); c.2218C>A, p.Leu740Met (NM_001385114.1); c.2197C>A, p.Leu733Met (NM_001385115.1); c.2227C>A, p.Leu743Met (NM_198332.2); short protein forms L714M, L733M, L736M, L740M, L743M, L747M.
Identifiers: ClinVar variation 999305 (VCV000999305.8), dbSNP rs779990362, ClinGen allele CA6630282.